The following is an entry in ClinVar:

ClinVar aggregate classification (germline): Uncertain significance (1 of 4 stars; one submission).

gnomAD v4.1: 4 of 1,384,046 alleles (0.00029%); highest among the groups gnomAD compares: Non-Finnish European, 0.00038%; no homozygotes.

Submission:

Labcorp Genetics (formerly Invitae), Labcorp
Classification: Uncertain significance. Last evaluated: 2022-02-10. Review status: criteria provided, single submitter. Criteria: Invitae Variant Classification Sherloc (09022015). Collection method: clinical testing. Allele origin: germline.
Comment: This sequence change replaces arginine, which is basic and polar, with tryptophan, which is neutral and slightly polar, at codon 12 of the RASGRP1 protein (p.Arg12Trp). This variant is not present in population databases (gnomAD no frequency). This variant has not been reported in the literature in individuals affected with RASGRP1-related conditions. Algorithms developed to predict the effect of missense changes on protein structure and function are either unavailable or do not agree on the potential impact of this missense change (SIFT: "Deleterious"; PolyPhen-2: "Benign"; Align-GVGD: "Class C0"). In summary, the available evidence is currently insufficient to determine the role of this variant in disease. Therefore, it has been classified as a Variant of Uncertain Significance.

NM_005739.4(RASGRP1):c.34C>T (p.Arg12Trp)

Genes: RASGRP1 (RAS guanyl releasing protein 1; minus strand), LOC130056800 (ATAC-STARR-seq lymphoblastoid silent region 6307; plus strand). Cytogenetic location: 15q14.
Variant type: single nucleotide variant.
Coding change: c.34C>T on transcript NM_005739.4 (MANE Select); coding-DNA position 34, C replaced by T.
Protein change: p.Arg12Trp; replaces arginine 12 with tryptophan.
Molecular consequence: missense variant.
Genome position (GRCh38, 1-based): chr15:38,564,595, G>A on the plus strand (C>T on the coding strand, the complement: RASGRP1 is on the minus strand). VCF-style: chr15-38564595-G-A. GRCh37 (hg19) VCF-style: chr15-38856796-G-A.
Other names: c.34C>T, p.Arg12Trp (NM_001128602.2, NM_001306086.2); short protein forms R12W.
Identifiers: ClinVar variation 1916806 (VCV001916806.5), dbSNP rs777064884, ClinGen allele CA391663738.
Genomic context (GRCh38, chr15:38,564,595, plus strand): 5'-GGCCTCTTTCCCAAGAAAGGACACAGGCGCTCCCGAGGGCCACGGCCGCCTCTACTCACC[G>A]CGGAGCCTCTCTCGCCTTGCCCAGGGTGCCCATGGCCGCGGCCCGCGCTCCCGGTGCCGG-3'
Protein context (NP_005730.2, residues 2-22): GTLGKAREAP[Arg12Trp]KPSHGCRAAS